The following is an entry in ClinVar:

NM_006237.4(POU4F1):c.416GCG[5] (p.Gly142_Ala143insGly)

Genes: OBI1-AS1 (OBI1 antisense RNA 1; plus strand), POU4F1 (POU class 4 homeobox 1; minus strand). Cytogenetic location: 13q31.1.
Variant type: Microsatellite.
Coding change: c.416GCG[5] on transcript NM_006237.4 (MANE Select); five copies in a row of the 3-base unit GCG starting at c.416; the reference has four copies in a row; one copy, 3 bases duplicated.
Protein change: p.Gly142_Ala143insGly.
Molecular consequence: inframe insertion.
Genome position (GRCh38, 1-based): chr13:78,602,248-78,602,250, CGC duplicated on the plus strand (GCG on the coding strand, the reverse complement: POU4F1 is on the minus strand); duplicating any 3 consecutive bases within chr13:78,602,248-78,602,261 gives the same sequence; the position shown is the placement nearest the transcript's 3' end. VCF-style (leftmost placement, unchanged base first): chr13-78602247-G-GCGC. GRCh37 (hg19) VCF-style: chr13-79176382-G-GCGC.
Identifiers: ClinVar variation 2570868 (VCV002570868.27), dbSNP rs1175117364, ClinGen allele CA484489540.

ClinVar aggregate classification (germline): Likely benign (1 of 4 stars; one submission).

Submission:

CeGaT Center for Human Genetics Tuebingen
Classification: Likely benign. Last evaluated: 2026-07-01. Review status: criteria provided, single submitter. Criteria: CeGaT Center For Human Genetics Tuebingen Variant Classification Criteria Version 2. Collection method: clinical testing. Allele origin: germline. Affected: yes. Observed: 16 variant alleles.
Comment: POU4F1: BS1